The following is an entry in ClinVar:

NM_000492.4(CFTR):c.2098T>C (p.Ser700Pro)

Gene: CFTR (CF transmembrane conductance regulator; plus strand). Cytogenetic location: 7q31.2.
Variant type: single nucleotide variant.
Coding change: c.2098T>C on transcript NM_000492.4 (MANE Select); coding-DNA position 2098, T replaced by C.
Protein change: p.Ser700Pro; replaces serine 700 with proline.
Molecular consequence: missense variant.
Genome position (GRCh38, 1-based): chr7:117,592,265, T>C. VCF-style: chr7-117592265-T-C. GRCh37 (hg19) VCF-style: chr7-117232319-T-C.
Other names: short protein forms S700P.
Identifiers: ClinVar variation 2453670 (VCV002453670.2), dbSNP rs2485109917, ClinGen allele CA368979692.

ClinVar aggregate classification (germline): Uncertain significance (1 of 4 stars; one submission).

Conditions:
Cystic fibrosis (CF). Also called: MUCOVISCIDOSIS. Identifiers: Orphanet 586, MedGen C0010674, MONDO:0009061, OMIM 219700. Disease mechanism: loss of function.

Submission:

Ambry Genetics
Classification: Uncertain significance for Cystic fibrosis. Last evaluated: 2023-03-08. Review status: criteria provided, single submitter. Criteria: Ambry Variant Classification Scheme 2023. Collection method: clinical testing. Allele origin: germline.
Comment: The p.S700P variant (also known as c.2098T>C), located in coding exon 14 of the CFTR gene, results from a T to C substitution at nucleotide position 2098. The serine at codon 700 is replaced by proline, an amino acid with similar properties. This amino acid position is conserved. In addition, this alteration is predicted to be deleterious by in silico analysis. Since supporting evidence is limited at this time, the clinical significance of this alteration remains unclear.